The following is an entry in ClinVar:

NM_002878.4(RAD51D):c.693C>G (p.Ala231=)

Genes: RAD51D (RAD51 paralog D; minus strand), RAD51L3-RFFL (RAD51L3-RFFL readthrough; minus strand). Cytogenetic location: 17q12.
Variant type: single nucleotide variant.
Coding change: c.693C>G on transcript NM_002878.4 (MANE Select); coding-DNA position 693, C replaced by G.
Protein change: p.Ala231=; no amino-acid change (alanine 231 retained).
Molecular consequence: synonymous variant. On other transcripts: non-coding transcript variant (3).
Genome position (GRCh38, 1-based): chr17:35,103,299, G>C on the plus strand (C>G on the coding strand, the complement: RAD51D is on the minus strand). VCF-style: chr17-35103299-G-C. GRCh37 (hg19) VCF-style: chr17-33430318-G-C.
Other names: c.753C>G, p.Ala251= (NM_001142571.2); c.357C>G, p.Ala119= (NM_133629.3).
Identifiers: ClinVar variation 826714 (VCV000826714.8), dbSNP rs1597858361, ClinGen allele CA499730479.

ClinVar aggregate classification (germline): Benign/Likely benign. Review status: criteria provided, multiple submitters, no conflicts (2 of 4 stars). 3 submissions from 3 submitters: Benign (1); Likely benign (2). Last evaluated 2025-02-24.

Conditions:
Hereditary cancer-predisposing syndrome. Also called: Neoplastic Syndromes, Hereditary; Tumor predisposition; Hereditary neoplastic syndrome; Hereditary Cancer Syndrome. Identifiers: Orphanet 140162, MedGen C0027672, MeSH D009386, MONDO:0015356.
Breast-ovarian cancer, familial, susceptibility to, 4. Identifiers: Orphanet 145, MedGen C3280345, MONDO:0013669, OMIM 614291.

Submissions (3):

Myriad Genetics, Inc.
Classification: Benign for Breast-ovarian cancer, familial, susceptibility to, 4. Last evaluated: 2025-02-24. Review status: criteria provided, single submitter. Criteria: Myriad Autosomal Dominant, Autosomal Recessive and X-Linked Classification Criteria (2023). Collection method: clinical testing. Allele origin: unknown.
Comment: This variant is considered benign. This variant is a silent/synonymous amino acid change and it is not expected to impact splicing.

Labcorp Genetics (formerly Invitae), Labcorp
Classification: Likely benign for Breast-ovarian cancer, familial, susceptibility to, 4. Last evaluated: 2024-09-02. Review status: criteria provided, single submitter. Criteria: Invitae Variant Classification Sherloc (09022015). Collection method: clinical testing. Allele origin: germline.

Ambry Genetics
Classification: Likely benign for Hereditary cancer-predisposing syndrome. Last evaluated: 2018-02-20. Review status: criteria provided, single submitter. Criteria: Ambry Variant Classification Scheme 2023. Collection method: clinical testing. Allele origin: germline.